The following is an entry in ClinVar:

ClinVar aggregate classification (germline): Likely benign (1 of 4 stars; one submission).

Allele frequency attached by ClinVar (database versions not stated): gnomAD 0.00095.

Submission:

CeGaT Center for Human Genetics Tuebingen
Classification: Likely benign. Last evaluated: 2026-08-01. Review status: criteria provided, single submitter. Criteria: CeGaT Center For Human Genetics Tuebingen Variant Classification Criteria Version 2. Collection method: clinical testing. Allele origin: germline. Affected: yes. Observed: 3 variant alleles.
Comment: DSPP: BP4, BP7

NM_014208.3(DSPP):c.3282T>C (p.Ser1094=)

Genes: DMP1-AS1 (DMP1 and DSPP antisense RNA 1; minus strand), DSPP (dentin sialophosphoprotein; plus strand). Cytogenetic location: 4q22.1.
Variant type: single nucleotide variant.
Coding change: c.3282T>C on transcript NM_014208.3 (MANE Select); coding-DNA position 3282, T replaced by C.
Protein change: p.Ser1094=; no amino-acid change (serine 1094 retained).
Molecular consequence: synonymous variant.
Genome position (GRCh38, 1-based): chr4:87,615,944, T>C. VCF-style: chr4-87615944-T-C. GRCh37 (hg19) VCF-style: chr4-88537096-T-C.
Identifiers: ClinVar variation 2654906 (VCV002654906.24), dbSNP rs200276196, ClinGen allele CA3001555.